The following is an entry in ClinVar:

NM_002439.5(MSH3):c.3235C>A (p.Pro1079Thr)

Gene: MSH3 (mutS homolog 3; plus strand). Cytogenetic location: 5q14.1.
Variant type: single nucleotide variant.
Coding change: c.3235C>A on transcript NM_002439.5 (MANE Select); coding-DNA position 3235, C replaced by A.
Protein change: p.Pro1079Thr; replaces proline 1079 with threonine.
Molecular consequence: missense variant.
Genome position (GRCh38, 1-based): chr5:80,873,220, C>A. VCF-style: chr5-80873220-C-A. GRCh37 (hg19) VCF-style: chr5-80169039-C-A.
Other names: short protein forms P1079T.
Identifiers: ClinVar variation 1720268 (VCV001720268.5), dbSNP rs2112128807, ClinGen allele CA360346998.

ClinVar aggregate classification (germline): Uncertain significance (1 of 4 stars; one submission).

Submission:

Labcorp Genetics (formerly Invitae), Labcorp
Classification: Uncertain significance. Last evaluated: 2022-09-24. Review status: criteria provided, single submitter. Criteria: Invitae Variant Classification Sherloc (09022015). Collection method: clinical testing. Allele origin: germline.
Comment: This sequence change replaces proline, which is neutral and non-polar, with threonine, which is neutral and polar, at codon 1079 of the MSH3 protein (p.Pro1079Thr). This variant is not present in population databases (gnomAD no frequency). This variant has not been reported in the literature in individuals affected with MSH3-related conditions. Algorithms developed to predict the effect of missense changes on protein structure and function are either unavailable or do not agree on the potential impact of this missense change (SIFT: "Tolerated"; PolyPhen-2: "Probably Damaging"; Align-GVGD: "Class C0"). In summary, the available evidence is currently insufficient to determine the role of this variant in disease. Therefore, it has been classified as a Variant of Uncertain Significance.